The following is an entry in ClinVar:

ClinVar aggregate classification (germline): Conflicting classifications of pathogenicity. Review status: criteria provided, conflicting classifications (1 of 4 stars). 3 submissions from 3 submitters: Uncertain significance (1); Likely benign (2). Last evaluated 2025-08-26.

Conditions:
Renal cell carcinoma. Identifiers: Orphanet 217071, MedGen C0007134, MeSH D002292, MONDO:0005086, HP:0005584.
Hereditary cancer-predisposing syndrome. Also called: Neoplastic Syndromes, Hereditary; Tumor predisposition; Hereditary neoplastic syndrome; Hereditary Cancer Syndrome. Identifiers: Orphanet 140162, MedGen C0027672, MeSH D009386, MONDO:0015356.

Allele frequency attached by ClinVar (database versions not stated): gnomAD exomes below 0.00001; TOPMed below 0.00001.
gnomAD v4.1: 2 of 1,614,048 alleles (0.00012%); highest among the groups gnomAD compares: African/African-American, 0.0013%; no homozygotes.

Submissions (3):

Labcorp Genetics (formerly Invitae), Labcorp
Classification: Uncertain significance for Renal cell carcinoma. Last evaluated: 2025-08-26. Review status: criteria provided, single submitter. Criteria: Invitae Variant Classification Sherloc (09022015). Collection method: clinical testing. Allele origin: germline.
Comment: This sequence change replaces methionine, which is neutral and non-polar, with threonine, which is neutral and polar, at codon 840 of the MET protein (p.Met840Thr). This variant is not present in population databases (gnomAD no frequency). This variant has not been reported in the literature in individuals affected with MET-related conditions. ClinVar contains an entry for this variant (Variation ID: 579847). Invitae Evidence Modeling of protein sequence and biophysical properties (such as structural, functional, and spatial information, amino acid conservation, physicochemical variation, residue mobility, and thermodynamic stability) indicates that this missense variant is not expected to disrupt MET protein function with a negative predictive value of 80%. In summary, the available evidence is currently insufficient to determine the role of this variant in disease. Therefore, it has been classified as a Variant of Uncertain Significance.

Laboratorio de I+D, Fundación Centro Médico de Asturias
Classification: Likely benign for Hereditary cancer-predisposing syndrome. Last evaluated: 2025-07-10. Review status: criteria provided, single submitter. Criteria: ACMG Guidelines, 2015. Collection method: clinical testing. Allele origin: germline.
Comment: BP4_Moderate+PM2_Supporting

Ambry Genetics
Classification: Likely benign for Hereditary cancer-predisposing syndrome. Last evaluated: 2024-12-05. Review status: criteria provided, single submitter. Criteria: Ambry Variant Classification Scheme 2023. Collection method: clinical testing. Allele origin: germline.

NM_000245.4(MET):c.2465T>C (p.Met822Thr)

Gene: MET (MET proto-oncogene, receptor tyrosine kinase; plus strand). Cytogenetic location: 7q31.2.
Variant type: single nucleotide variant.
Coding change: c.2465T>C on transcript NM_000245.4 (MANE Select); coding-DNA position 2465, T replaced by C.
Protein change: p.Met822Thr; replaces methionine 822 with threonine.
Molecular consequence: missense variant.
Genome position (GRCh38, 1-based): chr7:116,763,150, T>C. VCF-style: chr7-116763150-T-C. GRCh37 (hg19) VCF-style: chr7-116403204-T-C.
Other names: c.2519T>C, p.Met840Thr (NM_001127500.3); c.2465T>C, p.Met822Thr (NM_001324401.3); c.1175T>C, p.Met392Thr (NM_001324402.2); short protein forms M840T, M822T, M392T.
Identifiers: ClinVar variation 579847 (VCV000579847.14), dbSNP rs1562925631, ClinGen allele CA368983308.
Genomic context (GRCh38, chr7:116,763,150, plus strand): 5'-CCACTCCTTCCCTGCAACAGCTGAATCTGCAACTCCCCCTGAAAACCAAAGCCTTTTTCA[T>C]GTTAGATGGGATCCTTTCCAAATACTTTGATCTCATTTATGTACATAATCCTGTGTTTAA-3'
Protein context (NP_000236.2, residues 812-832): QLPLKTKAFF[Met822Thr]LDGILSKYFD